The following is an entry in ClinVar:

ClinVar aggregate classification (germline): Uncertain significance (1 of 4 stars; one submission).

Submission:

GeneDx
Classification: Uncertain significance. Last evaluated: 2024-05-07. Review status: criteria provided, single submitter. Criteria: GeneDx Variant Classification Process June 2021. Collection method: clinical testing. Allele origin: germline. Affected: yes.
Comment: In silico analysis supports that this missense variant has a deleterious effect on protein structure/function; Not observed at significant frequency in large population cohorts (gnomAD); Has not been previously published as pathogenic or benign to our knowledge

NM_001378964.1(CDON):c.442C>T (p.Pro148Ser)

Gene: CDON (cell adhesion associated, oncogene regulated; minus strand). Cytogenetic location: 11q24.2.
Variant type: single nucleotide variant.
Coding change: c.442C>T on transcript NM_001378964.1 (MANE Select); coding-DNA position 442, C replaced by T.
Protein change: p.Pro148Ser; replaces proline 148 with serine.
Molecular consequence: missense variant.
Genome position (GRCh38, 1-based): chr11:126,019,673, G>A on the plus strand (C>T on the coding strand, the complement: CDON is on the minus strand). VCF-style: chr11-126019673-G-A. GRCh37 (hg19) VCF-style: chr11-125889568-G-A.
Other names: c.442C>T, p.Pro148Ser (NM_001243597.3, NM_016952.6); short protein forms P148S.
Identifiers: ClinVar variation 2505677 (VCV002505677.2), dbSNP rs1247152221, ClinGen allele CA383211609.